The following is an entry in ClinVar:

NM_004752.4(GCM2):c.306G>A (p.Arg102=)

Gene: GCM2 (GCM transcription factor 2; minus strand). Cytogenetic location: 6p24.2.
Variant type: single nucleotide variant.
Coding change: c.306G>A on transcript NM_004752.4 (MANE Select); coding-DNA position 306, G replaced by A.
Protein change: p.Arg102=; no amino-acid change (arginine 102 retained).
Molecular consequence: synonymous variant.
Genome position (GRCh38, 1-based): chr6:10,877,177, C>T on the plus strand (G>A on the coding strand, the complement: GCM2 is on the minus strand). VCF-style: chr6-10877177-C-T. GRCh37 (hg19) VCF-style: chr6-10877410-C-T.
Identifiers: ClinVar variation 736761 (VCV000736761.13), dbSNP rs149143032, ClinGen allele CA3634119.

ClinVar aggregate classification (germline): Benign/Likely benign. Review status: criteria provided, multiple submitters, no conflicts (2 of 4 stars). 4 submissions from 4 submitters: Benign (1); Likely benign (2). 1 of the submissions does not count toward it. Last evaluated 2026-01-28.

Conditions:
Hypoparathyroidism, familial isolated, 2. Identifiers: MedGen C5394383, MONDO:0020798, OMIM 618883.
Hyperparathyroidism 4 (HRPT4). Identifiers: MedGen C4479229, MONDO:0024570, OMIM 617343.
GCM2-related disorder. Also called: GCM2-related condition.

Allele frequency attached by ClinVar (database versions not stated): ExAC 0.00042; 1000 Genomes Project 30x 0.00109; gnomAD 0.00131 and 0.00142; ESP Exome Variant Server 0.00138; 1000 Genomes Project 0.00140; TOPMed 0.00141.

Submissions (4):

Labcorp Genetics (formerly Invitae), Labcorp
Classification: Benign. Last evaluated: 2026-01-28. Review status: criteria provided, single submitter. Criteria: Invitae Variant Classification Sherloc (09022015). Collection method: clinical testing. Allele origin: germline.

Blueprint Genetics
Classification: Likely benign. Last evaluated: 2023-12-14. Review status: criteria provided, single submitter. Criteria: ACMG Guidelines, 2015. Collection method: clinical testing. Allele origin: germline.

Fulgent Genetics
Classification: Likely benign for Hyperparathyroidism 4; Hypoparathyroidism, familial isolated, 2. Last evaluated: 2021-11-24. Review status: criteria provided, single submitter. Criteria: ACMG Guidelines, 2015. Collection method: clinical testing. Allele origin: unknown.

PreventionGenetics, part of Exact Sciences
Classification: Likely benign for GCM2-related condition. Last evaluated: 2020-02-05. Review status: no assertion criteria provided. Collection method: clinical testing. Allele origin: germline. Not counted in ClinVar's aggregate classification.
Comment: This variant is classified as likely benign based on ACMG/AMP sequence variant interpretation guidelines (Richards et al. 2015 PMID: 25741868, with internal and published modifications).